The following is an entry in ClinVar:

NM_006073.4(TRDN):c.1165G>T (p.Val389Leu)

Gene: TRDN (triadin; minus strand). Cytogenetic location: 6q22.31.
Variant type: single nucleotide variant.
Coding change: c.1165G>T on transcript NM_006073.4 (MANE Select); coding-DNA position 1165, G replaced by T.
Protein change: p.Val389Leu; replaces valine 389 with leucine.
Molecular consequence: missense variant.
Genome position (GRCh38, 1-based): chr6:123,382,118, C>A on the plus strand (G>T on the coding strand, the complement: TRDN is on the minus strand). VCF-style: chr6-123382118-C-A. GRCh37 (hg19) VCF-style: chr6-123703263-C-A.
Other names: p.Val389Leu; c.1168G>T, p.Val390Leu (NM_001251987.2); c.1165G>T (NM_006073.2); short protein forms V389L, V390L.
Identifiers: ClinVar variation 1061565 (VCV001061565.7), dbSNP rs768208179, ClinGen allele CA3984104.

ClinVar aggregate classification (germline): Uncertain significance. Review status: criteria provided, multiple submitters, no conflicts (2 of 4 stars). 3 submissions from 3 submitters: Uncertain significance (3). Last evaluated 2026-02-16.

Conditions:
Cardiovascular phenotype. Identifiers: MedGen CN230736.
Catecholaminergic polymorphic ventricular tachycardia 1. Also called: VENTRICULAR TACHYCARDIA, CATECHOLAMINERGIC POLYMORPHIC, 1, WITH OR WITHOUT ATRIAL DYSFUNCTION AND/OR DILATED CARDIOMYOPATHY; RYR2-Related Catecholaminergic Polymorphic Ventricular Tachycardia; VENTRICULAR TACHYCARDIA, STRESS-INDUCED POLYMORPHIC 1. Identifiers: Orphanet 3286, MedGen C1631597, MONDO:0011484, OMIM 604772.

Allele frequency attached by ClinVar (database versions not stated): gnomAD exomes 0.00001 and below 0.00001; TOPMed 0.00001; ExAC 0.00005; gnomAD 0.00001.
gnomAD v4.1: 4 of 1,495,182 alleles (0.00027%); highest among the groups gnomAD compares: Admixed American, 0.0024%; no homozygotes.

Submissions (3):

Ambry Genetics
Classification: Uncertain significance for Cardiovascular phenotype. Last evaluated: 2026-02-16. Review status: criteria provided, single submitter. Criteria: Ambry Variant Classification Scheme 2023. Collection method: clinical testing. Allele origin: germline.
Comment: The p.V389L variant (also known as c.1165G>T), located in coding exon 15 of the TRDN gene, results from a G to T substitution at nucleotide position 1165. The valine at codon 389 is replaced by leucine, an amino acid with highly similar properties. However, this change occurs in the last base pair of coding exon 15, which makes it likely to have some effect on normal mRNA splicing. This nucleotide position is highly conserved in available vertebrate species. In silico splice site analysis predicts that this alteration will weaken the native splice donor site. This amino acid position is poorly conserved in available vertebrate species. In addition, as a missense substitution, this is predicted to be tolerated by in silico analysis. This alteration does not impact the predominant cardiac isoform of TRDN (NM_001256021.1; Kobayashi YM et al. J. Biol. Chem., 1999 Oct;274:28660-8). Based on the available evidence, the clinical significance of this variant remains unclear.

Mayo Clinic Laboratories, Mayo Clinic
Classification: Uncertain significance. Last evaluated: 2025-08-21. Review status: criteria provided, single submitter. Criteria: ACMG Guidelines, 2015. Collection method: clinical testing. Allele origin: germline. Observed: 1 variant allele.
Comment: PP3, PM2_supporting

Labcorp Genetics (formerly Invitae), Labcorp
Classification: Uncertain significance for Catecholaminergic polymorphic ventricular tachycardia 1. Last evaluated: 2021-09-23. Review status: criteria provided, single submitter. Criteria: Invitae Variant Classification Sherloc (09022015). Collection method: clinical testing. Allele origin: germline.
Comment: This sequence change replaces valine with leucine at codon 389 of the TRDN protein (p.Val389Leu). The valine residue is weakly conserved and there is a small physicochemical difference between valine and leucine. This variant also falls at the last nucleotide of exon 15, which is part of the consensus splice site for this exon. This variant is present in population databases (rs768208179, ExAC 0.01%). This variant has not been reported in the literature in individuals affected with TRDN-related conditions. Algorithms developed to predict the effect of missense changes on protein structure and function (SIFT, PolyPhen-2, Align-GVGD) all suggest that this variant is likely to be tolerated. Variants that disrupt the consensus splice site are a relatively common cause of aberrant splicing (PMID: 17576681, 9536098). Algorithms developed to predict the effect of sequence changes on RNA splicing suggest that this variant may disrupt the consensus splice site. In summary, the available evidence is currently insufficient to determine the role of this variant in disease. Therefore, it has been classified as a Variant of Uncertain Significance.

Literature cited by the submitters: PubMed 17576681 (cited by Labcorp Genetics (formerly Invitae), Labcorp); PubMed 9536098 (cited by Labcorp Genetics (formerly Invitae), Labcorp).